The following is an entry in ClinVar:

ClinVar aggregate classification (germline): Uncertain significance (1 of 4 stars; one submission).

Submission:

Labcorp Genetics (formerly Invitae), Labcorp
Classification: Uncertain significance. Last evaluated: 2024-04-10. Review status: criteria provided, single submitter. Criteria: Invitae Variant Classification Sherloc (09022015). Collection method: clinical testing. Allele origin: germline.
Comment: This sequence change replaces glutamic acid, which is acidic and polar, with alanine, which is neutral and non-polar, at codon 654 of the TMPRSS15 protein (p.Glu654Ala). This variant is not present in population databases (gnomAD no frequency). This variant has not been reported in the literature in individuals affected with TMPRSS15-related conditions. An algorithm developed to predict the effect of missense changes on protein structure and function (PolyPhen-2) suggests that this variant is likely to be tolerated. In summary, the available evidence is currently insufficient to determine the role of this variant in disease. Therefore, it has been classified as a Variant of Uncertain Significance.

NM_002772.3(TMPRSS15):c.1961A>C (p.Glu654Ala)

Gene: TMPRSS15 (transmembrane serine protease 15; minus strand). Cytogenetic location: 21q21.1.
Variant type: single nucleotide variant.
Coding change: c.1961A>C on transcript NM_002772.3 (MANE Select); coding-DNA position 1961, A replaced by C.
Protein change: p.Glu654Ala; replaces glutamic acid 654 with alanine.
Molecular consequence: missense variant.
Genome position (GRCh38, 1-based): chr21:18,315,217, T>G on the plus strand (A>C on the coding strand, the complement: TMPRSS15 is on the minus strand). VCF-style: chr21-18315217-T-G. GRCh37 (hg19) VCF-style: chr21-19687534-T-G.
Other names: c.2096A>C, p.Glu699Ala (NM_001428056.1); c.1961A>C, p.Glu654Ala (NM_001428057.1); short protein forms E654A, E699A.
Identifiers: ClinVar variation 3649404 (VCV003649404.2).